The following is an entry in ClinVar:

NM_003705.5(SLC25A12):c.1429A>G (p.Ile477Val)

Gene: SLC25A12 (solute carrier family 25 member 12; minus strand). Cytogenetic location: 2q31.1.
Variant type: single nucleotide variant.
Coding change: c.1429A>G on transcript NM_003705.5 (MANE Select); coding-DNA position 1429, A replaced by G.
Protein change: p.Ile477Val; replaces isoleucine 477 with valine.
Molecular consequence: missense variant. On other transcripts: non-coding transcript variant (1).
Genome position (GRCh38, 1-based): chr2:171,793,644, T>C on the plus strand (A>G on the coding strand, the complement: SLC25A12 is on the minus strand). VCF-style: chr2-171793644-T-C. GRCh37 (hg19) VCF-style: chr2-172650154-T-C.
Other names: short protein forms I477V.
Identifiers: ClinVar variation 1460901 (VCV001460901.5), dbSNP rs369912240, ClinGen allele CA1966124.

ClinVar aggregate classification (germline): Uncertain significance (1 of 4 stars; one submission).

Allele frequency attached by ClinVar (database versions not stated): gnomAD exomes below 0.00001 and 0.00001; ExAC 0.00002; gnomAD 0.00003 and 0.00004; TOPMed 0.00004; ESP Exome Variant Server 0.00008.
gnomAD v4.1: 11 of 1,614,046 alleles (0.00068%); highest among the groups gnomAD compares: African/African-American, 0.013%; no homozygotes.

Submission:

Labcorp Genetics (formerly Invitae), Labcorp
Classification: Uncertain significance. Last evaluated: 2022-08-25. Review status: criteria provided, single submitter. Criteria: Invitae Variant Classification Sherloc (09022015). Collection method: clinical testing. Allele origin: germline.
Comment: This sequence change replaces isoleucine, which is neutral and non-polar, with valine, which is neutral and non-polar, at codon 477 of the SLC25A12 protein (p.Ile477Val). This variant is present in population databases (rs369912240, gnomAD 0.01%). This variant has not been reported in the literature in individuals affected with SLC25A12-related conditions. ClinVar contains an entry for this variant (Variation ID: 1460901). Algorithms developed to predict the effect of missense changes on protein structure and function (SIFT, PolyPhen-2, Align-GVGD) all suggest that this variant is likely to be tolerated. In summary, the available evidence is currently insufficient to determine the role of this variant in disease. Therefore, it has been classified as a Variant of Uncertain Significance.